The following is an entry in ClinVar:

NM_007194.4(CHEK2):c.903G>C (p.Leu301Phe)

Gene: CHEK2 (checkpoint kinase 2; minus strand). Cytogenetic location: 22q12.1.
Variant type: single nucleotide variant.
Coding change: c.903G>C on transcript NM_007194.4 (MANE Select); coding-DNA position 903, G replaced by C.
Protein change: p.Leu301Phe; replaces leucine 301 with phenylalanine.
Molecular consequence: missense variant.
Genome position (GRCh38, 1-based): chr22:28,703,510, C>G on the plus strand (G>C on the coding strand, the complement: CHEK2 is on the minus strand). VCF-style: chr22-28703510-C-G. GRCh37 (hg19) VCF-style: chr22-29099498-C-G.
Other names: c.1032G>C, p.Leu344Phe (NM_001005735.3); c.240G>C, p.Leu80Phe (NM_001257387.3); c.702G>C, p.Leu234Phe (NM_001349956.3); c.903G>C, p.Leu301Phe (NM_145862.3); short protein forms L344F, L234F, L80F, L301F.
Identifiers: ClinVar variation 3651316 (VCV003651316.2).

ClinVar aggregate classification (germline): Uncertain significance (1 of 4 stars; one submission).

Conditions:
Familial cancer of breast. Also called: hereditary breast carcinoma; BREAST CANCER, FAMILIAL; Hereditary breast cancer. Identifiers: Orphanet 227535, MedGen C0346153, MONDO:0016419, OMIM 114480. Disease mechanism: loss of function.

Submission:

Labcorp Genetics (formerly Invitae), Labcorp
Classification: Uncertain significance for Familial cancer of breast. Last evaluated: 2024-05-08. Review status: criteria provided, single submitter. Criteria: Invitae Variant Classification Sherloc (09022015). Collection method: clinical testing. Allele origin: germline.
Comment: This sequence change replaces leucine, which is neutral and non-polar, with phenylalanine, which is neutral and non-polar, at codon 301 of the CHEK2 protein (p.Leu301Phe). This variant is not present in population databases (gnomAD no frequency). This variant has not been reported in the literature in individuals affected with CHEK2-related conditions. An algorithm developed to predict the effect of missense changes on protein structure and function (PolyPhen-2) suggests that this variant is likely to be disruptive. In summary, the available evidence is currently insufficient to determine the role of this variant in disease. Therefore, it has been classified as a Variant of Uncertain Significance.